The following is an entry in ClinVar:

NM_001243133.2(NLRP3):c.2264G>C (p.Gly755Ala)

Gene: NLRP3 (NLR family pyrin domain containing 3; plus strand). Cytogenetic location: 1q44.
Variant type: single nucleotide variant.
Coding change: c.2264G>C on transcript NM_001243133.2 (MANE Select); coding-DNA position 2264, G replaced by C.
Protein change: p.Gly755Ala; replaces glycine 755 with alanine.
Molecular consequence: missense variant. On other transcripts: intron variant (2).
Genome position (GRCh38, 1-based): chr1:247,429,698, G>C. VCF-style: chr1-247429698-G-C. GRCh37 (hg19) VCF-style: chr1-247593000-G-C.
Other names: c.2264G>C, p.Gly755Ala (NM_001079821.3, NM_001127461.3); c.2270G>C, p.Gly757Ala (NM_004895.5); c.2150+4099G>C (NM_001127462.3, NM_183395.3); short protein forms G757A, G755A.
Identifiers: ClinVar variation 97959 (VCV000097959.5), dbSNP rs180177473, ClinGen allele CA281314.

ClinVar aggregate classification (germline): Likely pathogenic. Review status: criteria provided, single submitter (1 of 4 stars). 2 submissions from 2 submitters: Likely pathogenic (1). 1 of the submissions does not count toward it. Last evaluated 2022-08-19.

Conditions:
Cryopyrin associated periodic syndrome (CAPS). Identifiers: Orphanet 208650, MedGen C2316212, MONDO:0016168.
Familial cold autoinflammatory syndrome 1 (FCAS1). Also called: Familial cold inflammatory syndrome 1; CRYOPYRIN-ASSOCIATED PERIODIC SYNDROME 1. Identifiers: Orphanet 47045, MedGen C4551895, MONDO:0007349, OMIM 120100.

Submissions (2):

Labcorp Genetics (formerly Invitae), Labcorp
Classification: Likely pathogenic for Cryopyrin associated periodic syndrome. Last evaluated: 2022-08-19. Review status: criteria provided, single submitter. Criteria: Invitae Variant Classification Sherloc (09022015). Collection method: clinical testing. Allele origin: germline.
Comment: In summary, the currently available evidence indicates that the variant is pathogenic, but additional data are needed to prove that conclusively. Therefore, this variant has been classified as Likely Pathogenic. This variant disrupts the p.Gly757 amino acid residue in NLRP3. Other variant(s) that disrupt this residue have been determined to be pathogenic (PMID: 18063752, 18080732, 21702021, 23015306, 29152264). This suggests that this residue is clinically significant, and that variants that disrupt this residue are likely to be disease-causing. Algorithms developed to predict the effect of sequence changes on RNA splicing suggest that this variant may create or strengthen a splice site. Algorithms developed to predict the effect of missense changes on protein structure and function are either unavailable or do not agree on the potential impact of this missense change (SIFT: "Deleterious"; PolyPhen-2: "Probably Damaging"; Align-GVGD: "Class C0"). ClinVar contains an entry for this variant (Variation ID: 97959). This variant is also known as 2264G>C (G755A). This missense change has been observed in individuals with clinical features of cryopyrin-associated periodic syndrome (PMID: 16871551, 24773462; Invitae). This variant is not present in population databases (gnomAD no frequency). This sequence change replaces glycine, which is neutral and non-polar, with alanine, which is neutral and non-polar, at codon 757 of the NLRP3 protein (p.Gly757Ala).

Unité médicale des maladies autoinflammatoires, CHRU Montpellier
No classification provided. Condition: Familial cold urticaria. Review status: no classification provided. Collection method: not provided. Allele origin: unknown. Not counted in ClinVar's aggregate classification.
Comment: also involved in OMIM 191900 and 607115

Literature cited by the submitters: PubMed 18063752 (cited by Labcorp Genetics (formerly Invitae), Labcorp); PubMed 18080732 (cited by Labcorp Genetics (formerly Invitae), Labcorp); PubMed 21702021 (cited by Labcorp Genetics (formerly Invitae), Labcorp); PubMed 23015306 (cited by Labcorp Genetics (formerly Invitae), Labcorp); PubMed 29152264 (cited by Labcorp Genetics (formerly Invitae), Labcorp); PubMed 16871551 (cited by Labcorp Genetics (formerly Invitae), Labcorp); PubMed 24773462 (cited by Labcorp Genetics (formerly Invitae), Labcorp).